The following is an entry in ClinVar:

ClinVar aggregate classification (germline): Uncertain significance (1 of 4 stars; one submission).

Allele frequency attached by ClinVar (database versions not stated): gnomAD exomes 0.00001; ExAC 0.00004.

Submission:

Labcorp Genetics (formerly Invitae), Labcorp
Classification: Uncertain significance. Last evaluated: 2022-01-11. Review status: criteria provided, single submitter. Criteria: Invitae Variant Classification Sherloc (09022015). Collection method: clinical testing. Allele origin: germline.
Comment: This variant, c.546_548del, results in the deletion of 1 amino acid(s) of the NR2E3 protein (p.Cys183del), but otherwise preserves the integrity of the reading frame. This variant is present in population databases (rs762887025, gnomAD 0.001%). This variant has not been reported in the literature in individuals affected with NR2E3-related conditions. Experimental studies and prediction algorithms are not available or were not evaluated, and the functional significance of this variant is currently unknown. In summary, the available evidence is currently insufficient to determine the role of this variant in disease. Therefore, it has been classified as a Variant of Uncertain Significance.

NM_014249.4(NR2E3):c.546_548del (p.Cys183del)

Gene: NR2E3 (nuclear receptor subfamily 2 group E member 3; plus strand). Cytogenetic location: 15q23.
Variant type: Deletion.
Coding change: c.546_548del on transcript NM_014249.4 (MANE Select); coding-DNA positions 546 to 548, 3 bases deleted (CTG; older notation c.546_548delCTG).
Protein change: p.Cys183del; deletes cysteine 183.
Molecular consequence: inframe deletion.
Genome position (GRCh38, 1-based): chr15:71,812,151-71,812,153, CTG deleted. VCF-style (leftmost placement, unchanged base first): chr15-71812150-CCTG-C. GRCh37 (hg19) VCF-style: chr15-72104490-CCTG-C.
Other names: c.546_548del, p.Cys183del (NM_016346.4); short protein forms C183del.
Identifiers: ClinVar variation 2189323 (VCV002189323.1), dbSNP rs762887025, ClinGen allele CA7640328.